The following is an entry in ClinVar:

ClinVar aggregate classification (germline): Conflicting classifications of pathogenicity. Review status: criteria provided, conflicting classifications (1 of 4 stars). 4 submissions from 4 submitters: Likely pathogenic (1); Uncertain significance (2). 1 of the submissions does not count toward it. Last evaluated 2024-06-03.

Conditions:
Thrombophilia due to protein S deficiency, autosomal dominant (THPH5). Identifiers: Orphanet 26349, Orphanet 743, MedGen C3278211, MONDO:0012868, OMIM 612336. Disease mechanism: loss of function.
Protein S deficiency disease. Also called: Protein S deficiency. Identifiers: MedGen C0242666, MeSH D018455, MONDO:0002304.
PROS1-related disorder. Also called: PROS1-related condition.
Thrombophilia due to protein S deficiency, autosomal recessive (THPH6). Identifiers: Orphanet 743, MedGen C3281092, MONDO:0013791, OMIM 614514. Disease mechanism: loss of function.

gnomAD v4.1: 1 of 1,613,902 alleles (0.000062%); highest among the groups gnomAD compares: Non-Finnish European, 0.000085%; no homozygotes.

Submissions (4):

Molecular Diagnostics Laboratory, M Health Fairview: University of Minnesota
Classification: Likely pathogenic for Thrombophilia due to protein S deficiency, autosomal dominant. Last evaluated: 2024-06-03. Review status: criteria provided, single submitter. Criteria: ACMG Guidelines, 2015. Collection method: clinical testing. Allele origin: germline. Affected: yes.

NIHR Bioresource Rare Diseases, University of Cambridge
Classification: Uncertain significance for Reduced protein S activity. Last evaluated: 2019-02-01. Review status: criteria provided, single submitter. Criteria: ACMG Guidelines, 2015. Collection method: research. Allele origin: unknown. Affected: yes. Observed: 1 heterozygote. Study: ThromboGenomics.

Labcorp Genetics (formerly Invitae), Labcorp
Classification: Uncertain significance for Thrombophilia due to protein S deficiency, autosomal recessive. Last evaluated: 2018-06-23. Review status: criteria provided, single submitter. Criteria: Invitae Variant Classification Sherloc (09022015). Collection method: clinical testing. Allele origin: germline.
Comment: This variant is not present in population databases (ExAC no frequency). This sequence change replaces tyrosine with serine at codon 485 of the PROS1 protein (p.Tyr485Ser). The tyrosine residue is highly conserved and there is a large physicochemical difference between tyrosine and serine. This variant has not been reported in the literature in individuals with PROS1-related disease. Algorithms developed to predict the effect of missense changes on protein structure and function (SIFT, PolyPhen-2, Align-GVGD) all suggest that this variant is likely to be disruptive, but these predictions have not been confirmed by published functional studies and their clinical significance is uncertain. In summary, the available evidence is currently insufficient to determine the role of this variant in disease. Therefore, it has been classified as a Variant of Uncertain Significance.

PreventionGenetics, part of Exact Sciences
Classification: Uncertain significance for PROS1-related condition. Last evaluated: 2024-02-12. Review status: no assertion criteria provided. Collection method: clinical testing. Allele origin: germline. Not counted in ClinVar's aggregate classification.
Comment: The PROS1 c.1454A>C variant is predicted to result in the amino acid substitution p.Tyr485Ser. This variant has been reported in individuals with thrombotic disorder (Downes et al. 2019. PubMed ID: 31064749; Wu et al. 2022. PubMed ID: 35815065). This variant has not been reported in a large population database, indicating this variant is rare. At this time, the clinical significance of this variant is uncertain due to the absence of conclusive functional and genetic evidence.

Literature cited by the submitters: PubMed 31064749 (cited by NIHR Bioresource Rare Diseases, University of Cambridge).

NM_000313.4(PROS1):c.1454A>C (p.Tyr485Ser)

Gene: PROS1 (protein S; minus strand). Cytogenetic location: 3q11.1.
Variant type: single nucleotide variant.
Coding change: c.1454A>C on transcript NM_000313.4 (MANE Select); coding-DNA position 1454, A replaced by C.
Protein change: p.Tyr485Ser; replaces tyrosine 485 with serine.
Molecular consequence: missense variant.
Genome position (GRCh38, 1-based): chr3:93,884,766, T>G on the plus strand (A>C on the coding strand, the complement: PROS1 is on the minus strand). VCF-style: chr3-93884766-T-G. GRCh37 (hg19) VCF-style: chr3-93603610-T-G.
Other names: p.Tyr485Ser; c.1550A>C, p.Tyr517Ser (NM_001314077.2); short protein forms Y485S, Y517S.
Identifiers: ClinVar variation 576236 (VCV000576236.11), dbSNP rs1323663956, ClinGen allele CA353667745.